The following is an entry in ClinVar:

NM_001182.5(ALDH7A1):c.*1209G>A

Genes: ALDH7A1 (aldehyde dehydrogenase 7 family member A1; minus strand), LOC112997555 (Sharpr-MPRA regulatory region 10286; plus strand). Cytogenetic location: 5q23.2.
Variant type: single nucleotide variant.
Coding change: c.*1209G>A on transcript NM_001182.5 (MANE Select); 1209 bases downstream of the stop codon, G replaced by A.
Molecular consequence: 3 prime UTR variant.
Genome position (GRCh38, 1-based): chr5:126,543,756, C>T on the plus strand (G>A on the coding strand, the complement: ALDH7A1 is on the minus strand). VCF-style: chr5-126543756-C-T. GRCh37 (hg19) VCF-style: chr5-125879448-C-T.
Other names: c.*1209G>A (NM_001201377.2, NM_001202404.2).
Identifiers: ClinVar variation 350557 (VCV000350557.5), dbSNP rs555172968, ClinGen allele CA10622346.

ClinVar aggregate classification (germline): Likely benign (1 of 4 stars; one submission).

Conditions:
Pyridoxine-dependent epilepsy (EPEO4). Also called: Pyridoxine-Dependent Epilepsy - ALDH7A1; PYRIDOXINE DEPENDENCY WITH SEIZURES; EPILEPSY, EARLY-ONSET, 4, VITAMIN B6-DEPENDENT; Pyridoxine-Dependent Seizures. Identifiers: Orphanet 3006, MedGen C1849508, MONDO:0009945, OMIM 266100. Disease mechanism: loss of function.

Allele frequency attached by ClinVar (database versions not stated): gnomAD 0.00171; TOPMed 0.00157; 1000 Genomes Project 30x 0.00531; 1000 Genomes Project 0.00539.

Submission:

Illumina Laboratory Services, Illumina
Classification: Likely benign for Pyridoxine-dependent epilepsy. Last evaluated: 2018-01-13. Review status: criteria provided, single submitter. Criteria: ICSL Variant Classification Criteria 13 December 2019. Collection method: clinical testing. Allele origin: germline.
Comment: This variant was observed in the ICSL laboratory as part of a predisposition screen in an ostensibly healthy population. It had not been previously curated by ICSL or reported in the Human Gene Mutation Database (HGMD: prior to June 1st, 2018), and was therefore a candidate for classification through an automated scoring system. Utilizing variant allele frequency, disease prevalence and penetrance estimates, and inheritance mode, an automated score was calculated to assess if this variant is too frequent to cause the disease. Based on the score and internal cut-off values, a variant classified as likely benign is not then subjected to further curation. The score for this variant resulted in a classification of likely benign for this disease.